The following is an entry in ClinVar:

NM_000812.4(GABRB1):c.1306C>A (p.Leu436Ile)

Gene: GABRB1 (gamma-aminobutyric acid type A receptor subunit beta1; plus strand). Cytogenetic location: 4p12.
Variant type: single nucleotide variant.
Coding change: c.1306C>A on transcript NM_000812.4 (MANE Select); coding-DNA position 1306, C replaced by A.
Protein change: p.Leu436Ile; replaces leucine 436 with isoleucine.
Molecular consequence: missense variant.
Genome position (GRCh38, 1-based): chr4:47,425,899, C>A. VCF-style: chr4-47425899-C-A. GRCh37 (hg19) VCF-style: chr4-47427916-C-A.
Other names: short protein forms L436I.
Identifiers: ClinVar variation 2984081 (VCV002984081.3), dbSNP rs1165212701, ClinGen allele CA356767652.

ClinVar aggregate classification (germline): Uncertain significance (1 of 4 stars; one submission).

Allele frequency attached by ClinVar (database versions not stated): gnomAD exomes 0.00001.
gnomAD v4.1: 3 of 1,614,116 alleles (0.00019%); highest among the groups gnomAD compares: Admixed American, 0.005%; no homozygotes.

Submission:

Labcorp Genetics (formerly Invitae), Labcorp
Classification: Uncertain significance. Last evaluated: 2023-03-15. Review status: criteria provided, single submitter. Criteria: Invitae Variant Classification Sherloc (09022015). Collection method: clinical testing. Allele origin: germline.
Comment: This variant is present in population databases (no rsID available, gnomAD 0.009%). This variant has not been reported in the literature in individuals affected with GABRB1-related conditions. Advanced modeling of protein sequence and biophysical properties (such as structural, functional, and spatial information, amino acid conservation, physicochemical variation, residue mobility, and thermodynamic stability) performed at Invitae indicates that this missense variant is not expected to disrupt GABRB1 protein function. In summary, the available evidence is currently insufficient to determine the role of this variant in disease. Therefore, it has been classified as a Variant of Uncertain Significance. This sequence change replaces leucine, which is neutral and non-polar, with isoleucine, which is neutral and non-polar, at codon 436 of the GABRB1 protein (p.Leu436Ile).